The following is an entry in ClinVar:

ClinVar aggregate classification (germline): Uncertain significance (1 of 4 stars; one submission).

gnomAD v4.1: 14 of 1,614,126 alleles (0.00087%); highest among the groups gnomAD compares: African/African-American, 0.0093%; no homozygotes.

Submission:

GeneDx
Classification: Uncertain significance. Last evaluated: 2025-01-22. Review status: criteria provided, single submitter. Criteria: GeneDx Variant Classification Process June 2021. Collection method: clinical testing. Allele origin: germline. Affected: yes.
Comment: Not observed at significant frequency in large population cohorts (gnomAD); In silico analysis indicates that this missense variant does not alter protein structure/function; Has not been previously published as pathogenic or benign to our knowledge

NM_000128.4(F11):c.1754A>G (p.Glu585Gly)

Genes: F11 (coagulation factor XI; plus strand), F11-AS1 (F11 antisense RNA 1; minus strand). Cytogenetic location: 4q35.2.
Variant type: single nucleotide variant.
Coding change: c.1754A>G on transcript NM_000128.4 (MANE Select); coding-DNA position 1754, A replaced by G.
Protein change: p.Glu585Gly; replaces glutamic acid 585 with glycine.
Molecular consequence: missense variant. On other transcripts: non-coding transcript variant (1).
Genome position (GRCh38, 1-based): chr4:186,288,490, A>G. VCF-style: chr4-186288490-A-G. GRCh37 (hg19) VCF-style: chr4-187209644-A-G.
Other names: short protein forms E585G.
Identifiers: ClinVar variation 4071823 (VCV004071823.1).